The following is an entry in ClinVar:

ClinVar aggregate classification (germline): Uncertain significance. Review status: criteria provided, multiple submitters, no conflicts (2 of 4 stars). 2 submissions from 2 submitters: Uncertain significance (2). Last evaluated 2025-07-01.

Submissions (2):

CeGaT Center for Human Genetics Tuebingen
Classification: Uncertain significance. Last evaluated: 2025-07-01. Review status: criteria provided, single submitter. Criteria: CeGaT Center For Human Genetics Tuebingen Variant Classification Criteria Version 2. Collection method: clinical testing. Allele origin: germline. Affected: yes. Observed: 1 variant allele.
Comment: GATA5: PM2, PP2, PP3

Labcorp Genetics (formerly Invitae), Labcorp
Classification: Uncertain significance. Last evaluated: 2024-10-21. Review status: criteria provided, single submitter. Criteria: Invitae Variant Classification Sherloc (09022015). Collection method: clinical testing. Allele origin: germline.
Comment: This sequence change replaces aspartic acid, which is acidic and polar, with asparagine, which is neutral and polar, at codon 18 of the GATA5 protein (p.Asp18Asn). The frequency data for this variant in the population databases is considered unreliable, as metrics indicate poor data quality at this position in the gnomAD database. This variant has not been reported in the literature in individuals affected with GATA5-related conditions. An algorithm developed to predict the effect of missense changes on protein structure and function (PolyPhen-2) suggests that this variant is likely to be disruptive. In summary, the available evidence is currently insufficient to determine the role of this variant in disease. Therefore, it has been classified as a Variant of Uncertain Significance.

NM_080473.5(GATA5):c.52G>A (p.Asp18Asn)

Gene: GATA5 (GATA binding protein 5; minus strand). Cytogenetic location: 20q13.33.
Variant type: single nucleotide variant.
Coding change: c.52G>A on transcript NM_080473.5 (MANE Select); coding-DNA position 52, G replaced by A.
Protein change: p.Asp18Asn; replaces aspartic acid 18 with asparagine.
Molecular consequence: missense variant.
Genome position (GRCh38, 1-based): chr20:62,475,470, C>T on the plus strand (G>A on the coding strand, the complement: GATA5 is on the minus strand). VCF-style: chr20-62475470-C-T. GRCh37 (hg19) VCF-style: chr20-61050526-C-T.
Other names: short protein forms D18N.
Identifiers: ClinVar variation 3618912 (VCV003618912.10).